The following is an entry in ClinVar:

NM_001018115.3(FANCD2):c.3299_3300del (p.Gln1100fs)

Genes: FANCD2 (FA complementation group D2; plus strand), FANCD2OS (FANCD2 opposite strand; minus strand). Cytogenetic location: 3p25.3.
Variant type: Deletion.
Coding change: c.3299_3300del on transcript NM_001018115.3 (MANE Select); coding-DNA positions 3299 to 3300, 2 bases deleted (AG; older notation c.3299_3300delAG).
Protein change: p.Gln1100fs; shifts the reading frame from glutamine 1100.
Molecular consequence: frameshift variant. On other transcripts: intron variant (1).
Genome position (GRCh38, 1-based): chr3:10,085,886-10,085,887, AG deleted. VCF-style (leftmost placement, unchanged base first): chr3-10085885-CAG-C. GRCh37 (hg19) VCF-style: chr3-10127569-CAG-C.
Other names: c.3299_3300del, p.Gln1100fs (NM_001319984.2, NM_001374254.1, NM_033084.6); c.3188_3189del, p.Gln1063fs (NM_001374253.1); c.3299_3300delAG, p.Gln1100Argfs (NM_033084.3); c.*44-4356_*44-4355del (NM_173472.2); short protein forms Q1063fs, Q1100fs.
Identifiers: ClinVar variation 1322880 (VCV001322880.12), dbSNP rs770686014, ClinGen allele CA2250334.
Genomic context (GRCh38, chr3:10,085,885, plus strand): 5'-CAACCTGAAAATCAGAATTTACTGTATTCAGCCCTCCATGTCCTTAGTAGCCGACTGAAA[CAG>C]GGAGAACACAGCCAGCCTTTGGAGGAACTACTCAGGTGAGTCATAACTACATAGCCAAGA-3'

ClinVar aggregate classification (germline): Pathogenic/Likely pathogenic. Review status: criteria provided, multiple submitters, no conflicts (2 of 4 stars). 5 submissions from 5 submitters: Pathogenic (2); Likely pathogenic (3). Last evaluated 2024-06-27.

Conditions:
FANCD2-related disorders.
Fanconi anemia (FA). Also called: Fanconi's anemia. Identifiers: Orphanet 84, MedGen C0015625, MeSH D005199, MONDO:0019391.
Fanconi anemia complementation group D2. Also called: FANCD2-Related Fanconi Anemia; FANCONI PANCYTOPENIA, TYPE 4; FANCONI ANEMIA, COMPLEMENTATION GROUP D. Identifiers: Orphanet 84, MedGen C3160738, MONDO:0009214, OMIM 227646.

Allele frequency attached by ClinVar (database versions not stated): gnomAD exomes below 0.00001; TOPMed 0.00001; ExAC 0.00001; gnomAD 0.00001.

Submissions (5):

Blueprint Genetics
Classification: Likely pathogenic for FANCD2-related disorders. Last evaluated: 2024-06-27. Review status: criteria provided, single submitter. Criteria: ACMG Guidelines, 2015. Collection method: clinical testing. Allele origin: germline. Affected: yes. Observed: 1 variant allele.

Baylor Genetics
Classification: Likely pathogenic for Fanconi anemia complementation group D2. Last evaluated: 2024-02-28. Review status: criteria provided, single submitter. Criteria: ACMG Guidelines, 2015. Collection method: clinical testing. Allele origin: unknown.

Labcorp Genetics (formerly Invitae), Labcorp
Classification: Pathogenic for Fanconi anemia. Last evaluated: 2023-07-13. Review status: criteria provided, single submitter. Criteria: Invitae Variant Classification Sherloc (09022015). Collection method: clinical testing. Allele origin: germline.
Comment: This sequence change creates a premature translational stop signal (p.Gln1100Argfs*72) in the FANCD2 gene. It is expected to result in an absent or disrupted protein product. Loss-of-function variants in FANCD2 are known to be pathogenic (PMID: 17436244). This variant is present in population databases (rs770686014, gnomAD 0.007%). This variant has not been reported in the literature in individuals affected with FANCD2-related conditions. ClinVar contains an entry for this variant (Variation ID: 1322880). For these reasons, this variant has been classified as Pathogenic.

Sema4
Classification: Likely pathogenic for Fanconi anemia. Last evaluated: 2021-05-05. Review status: criteria provided, single submitter. Criteria: Sema4 Curation Guidelines. Collection method: curation. Allele origin: germline.
Comment: The FANCD2 c.3299_3300delAG (p.Q1100RfsX72) variant has not been reported in the literature to our knowledge. This variant causes a frameshift at amino acid 1100 that results in premature termination 72 amino acids downstream. At this location, this is predicted to cause nonsense-mediated decay and result in an absent protein (loss of function). This variant was observed in 1/16256 chromosomes in the African/African American population according to the Genome Aggregation Database (PMID: 32461654) and has not been reported in ClinVar. Based on the current evidence available, this variant is interpreted as likely pathogenic.

Revvity Omics, Revvity
Classification: Pathogenic for Fanconi anemia complementation group D2. Last evaluated: 2019-05-29. Review status: criteria provided, single submitter. Criteria: ACMG Guidelines, 2015. Collection method: clinical testing. Allele origin: germline.

Literature cited by the submitters: PubMed 17436244 (cited by Labcorp Genetics (formerly Invitae), Labcorp).